The following is an entry in ClinVar:

NM_015474.4(SAMHD1):c.94T>C (p.Trp32Arg)

Gene: SAMHD1 (SAM and HD domain containing deoxynucleoside triphosphate triphosphohydrolase 1; minus strand). Cytogenetic location: 20q11.23.
Variant type: single nucleotide variant.
Coding change: c.94T>C on transcript NM_015474.4 (MANE Select); coding-DNA position 94, T replaced by C.
Protein change: p.Trp32Arg; replaces tryptophan 32 with arginine.
Molecular consequence: missense variant.
Genome position (GRCh38, 1-based): chr20:36,951,550, A>G on the plus strand (T>C on the coding strand, the complement: SAMHD1 is on the minus strand). VCF-style: chr20-36951550-A-G. GRCh37 (hg19) VCF-style: chr20-35579953-A-G.
Other names: c.94T>C, p.Trp32Arg (NM_001363729.2, NM_001363733.2); short protein forms W32R.
Identifiers: ClinVar variation 2981027 (VCV002981027.3), dbSNP rs1465712650, ClinGen allele CA408832373.
Genomic context (GRCh38, chr20:36,951,550, plus strand): 5'-AGCACACCTGCTCCGGACCCCATGTCTTGTAGTCGGGATGGAGTTCCAGGCCCGGGGACC[A>G]GTCTGCCTCTGCGGAAGGGGTGTTTGAGGGGGTTCTCGGGCTGTCATCGCAACGGGGACG-3'
Protein context (NP_056289.2, residues 22-42): PSNTPSAEAD[Trp32Arg]SPGLELHPDY

ClinVar aggregate classification (germline): Uncertain significance (1 of 4 stars; one submission).

Conditions:
Aicardi-Goutieres syndrome 5. Identifiers: Orphanet 51, MedGen C2749659, MONDO:0013059, OMIM 612952.

Allele frequency attached by ClinVar (database versions not stated): gnomAD exomes 0.00001.
gnomAD v4.1: 6 of 1,614,184 alleles (0.00037%); highest among the groups gnomAD compares: Non-Finnish European, 0.00042%; no homozygotes.

Submission:

Labcorp Genetics (formerly Invitae), Labcorp
Classification: Uncertain significance for Aicardi-Goutieres syndrome 5. Last evaluated: 2023-10-22. Review status: criteria provided, single submitter. Criteria: Invitae Variant Classification Sherloc (09022015). Collection method: clinical testing. Allele origin: germline.
Comment: This sequence change replaces tryptophan, which is neutral and slightly polar, with arginine, which is basic and polar, at codon 32 of the SAMHD1 protein (p.Trp32Arg). This variant is present in population databases (no rsID available, gnomAD 0.0009%). This variant has not been reported in the literature in individuals affected with SAMHD1-related conditions. Algorithms developed to predict the effect of missense changes on protein structure and function output the following: SIFT: "Not Available"; PolyPhen-2: "Benign"; Align-GVGD: "Not Available". The arginine amino acid residue is found in multiple mammalian species, which suggests that this missense change does not adversely affect protein function. In summary, the available evidence is currently insufficient to determine the role of this variant in disease. Therefore, it has been classified as a Variant of Uncertain Significance.